The following is an entry in ClinVar:

NM_153603.4(COG7):c.979G>A (p.Gly327Ser)

Gene: COG7 (component of oligomeric golgi complex 7; minus strand). Cytogenetic location: 16p12.2.
Variant type: single nucleotide variant.
Coding change: c.979G>A on transcript NM_153603.4 (MANE Select); coding-DNA position 979, G replaced by A.
Protein change: p.Gly327Ser; replaces glycine 327 with serine.
Molecular consequence: missense variant.
Genome position (GRCh38, 1-based): chr16:23,424,779, C>T on the plus strand (G>A on the coding strand, the complement: COG7 is on the minus strand). VCF-style: chr16-23424779-C-T. GRCh37 (hg19) VCF-style: chr16-23436100-C-T.
Other names: short protein forms G327S.
Identifiers: ClinVar variation 1715303 (VCV001715303.5), dbSNP rs1025545371, ClinGen allele CA279526827.
Genomic context (GRCh38, chr16:23,424,779, plus strand): 5'-GCTAGAGAACTGGCAGGAAGGAATGTTTACGTAGGTGGGGGAGCAGTGCCATCTCCAAGC[C>T]CTTGGCGAAGTGGGCGGTGGCGTCGTAGAACTCCAGCAGCCTGGTGAGCTCCTGCTCGGG-3'
Protein context (NP_705831.1, residues 317-337): FYDATAHFAK[Gly327Ser]LEMALLPHLH

ClinVar aggregate classification (germline): Uncertain significance (1 of 4 stars; one submission).

Conditions:
COG7 congenital disorder of glycosylation (CDG2E). Also called: CONGENITAL DISORDER OF GLYCOSYLATION, TYPE IIe; CDG IIe. Identifiers: Orphanet 79333, MedGen C2931010, MONDO:0012118, OMIM 608779.

Allele frequency attached by ClinVar (database versions not stated): gnomAD 0.00001; TOPMed 0.00001.
gnomAD v4.1: 3 of 1,614,082 alleles (0.00019%); highest among the groups gnomAD compares: African/African-American, 0.0013%; no homozygotes.

Submission:

Labcorp Genetics (formerly Invitae), Labcorp
Classification: Uncertain significance for COG7 congenital disorder of glycosylation. Last evaluated: 2022-08-06. Review status: criteria provided, single submitter. Criteria: Invitae Variant Classification Sherloc (09022015). Collection method: clinical testing. Allele origin: germline.
Comment: In summary, the available evidence is currently insufficient to determine the role of this variant in disease. Therefore, it has been classified as a Variant of Uncertain Significance. This sequence change replaces glycine, which is neutral and non-polar, with serine, which is neutral and polar, at codon 327 of the COG7 protein (p.Gly327Ser). This variant is present in population databases (no rsID available, gnomAD 0.004%). This variant has not been reported in the literature in individuals affected with COG7-related conditions. Algorithms developed to predict the effect of missense changes on protein structure and function (SIFT, PolyPhen-2, Align-GVGD) all suggest that this variant is likely to be tolerated.